The following is an entry in ClinVar:

ClinVar aggregate classification (germline): Uncertain significance (1 of 4 stars; one submission).

Conditions:
Niemann-Pick disease, type C1. Also called: NIEMANN-PICK DISEASE, VARIANT TYPE C1; NEUROVISCERAL STORAGE DISEASE WITH VERTICAL SUPRANUCLEAR OPHTHALMOPLEGIA; NIEMANN-PICK DISEASE WITH CHOLESTEROL ESTERIFICATION BLOCK; NIEMANN-PICK DISEASE WITHOUT SPHINGOMYELINASE DEFICIENCY; NIEMANN-PICK DISEASE, CHRONIC NEURONOPATHIC FORM. Identifiers: Orphanet 646, MedGen C3179455, MONDO:0009757, OMIM 257220.

Allele frequency attached by ClinVar (database versions not stated): ExAC 0.00001; gnomAD exomes 0.00001; TOPMed 0.00001; gnomAD 0.00002; ESP Exome Variant Server 0.00008.
gnomAD v4.1: 14 of 1,614,036 alleles (0.00087%); highest among the groups gnomAD compares: Non-Finnish European, 0.0011%; no homozygotes.

Submission:

Labcorp Genetics (formerly Invitae), Labcorp
Classification: Uncertain significance for Niemann-Pick disease, type C1. Last evaluated: 2022-03-19. Review status: criteria provided, single submitter. Criteria: Invitae Variant Classification Sherloc (09022015). Collection method: clinical testing. Allele origin: germline.
Comment: This sequence change affects codon 211 of the NPC1 mRNA. It is a 'silent' change, meaning that it does not change the encoded amino acid sequence of the NPC1 protein. This variant also falls at the last nucleotide of exon 5, which is part of the consensus splice site for this exon. This variant is present in population databases (rs367851289, gnomAD 0.004%). This variant has not been reported in the literature in individuals affected with NPC1-related conditions. Algorithms developed to predict the effect of missense changes on protein structure and function (SIFT, PolyPhen-2, Align-GVGD) all suggest that this variant is likely to be disruptive. Variants that disrupt the consensus splice site are a relatively common cause of aberrant splicing (PMID: 17576681, 9536098). Algorithms developed to predict the effect of sequence changes on RNA splicing suggest that this variant may disrupt the consensus splice site. In summary, the available evidence is currently insufficient to determine the role of this variant in disease. Therefore, it has been classified as a Variant of Uncertain Significance.

Literature cited by the submitters: PubMed 17576681; PubMed 9536098.

NM_000271.5(NPC1):c.631G>T (p.Asp211Tyr)

Gene: NPC1 (NPC intracellular cholesterol transporter 1; minus strand). Cytogenetic location: 18q11.2.
Variant type: single nucleotide variant.
Coding change: c.631G>T on transcript NM_000271.5 (MANE Select); coding-DNA position 631, G replaced by T.
Protein change: p.Asp211Tyr; replaces aspartic acid 211 with tyrosine.
Molecular consequence: missense variant.
Genome position (GRCh38, 1-based): chr18:23,561,360, C>A on the plus strand (G>T on the coding strand, the complement: NPC1 is on the minus strand). VCF-style: chr18-23561360-C-A. GRCh37 (hg19) VCF-style: chr18-21141324-C-A.
Other names: short protein forms D211Y.
Identifiers: ClinVar variation 1906070 (VCV001906070.2), dbSNP rs367851289, ClinGen allele CA8913694.